The following is an entry in ClinVar:

ClinVar aggregate classification (germline): Uncertain significance (1 of 4 stars; one submission).

Conditions:
Amyotrophic lateral sclerosis type 6. Also called: FUS-Related Amyotrophic Laterial Sclerosis; AMYOTROPHIC LATERAL SCLEROSIS 6 WITHOUT FRONTOTEMPORAL DEMENTIA; Amyotrophic lateral sclerosis 6, with or without frontotemporal dementia. Identifiers: Orphanet 275872, Orphanet 803, MedGen C2931786, MONDO:0011951, OMIM 608030.
Tremor, hereditary essential, 4 (ETM4). Identifiers: MedGen C3539195, MONDO:0013888, OMIM 614782.

Allele frequency attached by ClinVar (database versions not stated): gnomAD exomes below 0.00001 and 0.00001; ExAC 0.00001.

Submission:

Labcorp Genetics (formerly Invitae), Labcorp
Classification: Uncertain significance for Tremor, hereditary essential, 4; Amyotrophic lateral sclerosis type 6. Last evaluated: 2021-08-31. Review status: criteria provided, single submitter. Criteria: Invitae Variant Classification Sherloc (09022015). Collection method: clinical testing. Allele origin: germline.
Comment: This sequence change replaces arginine with cysteine at codon 371 of the FUS protein (p.Arg371Cys). The arginine residue is highly conserved and there is a large physicochemical difference between arginine and cysteine. The frequency data for this variant in the population databases is considered unreliable, as metrics indicate poor data quality at this position in the ExAC database. This variant has not been reported in the literature in individuals affected with FUS-related conditions. Algorithms developed to predict the effect of missense changes on protein structure and function are either unavailable or do not agree on the potential impact of this missense change (SIFT: "Deleterious"; PolyPhen-2: "Benign"; Align-GVGD: "Class C65"). In summary, the available evidence is currently insufficient to determine the role of this variant in disease. Therefore, it has been classified as a Variant of Uncertain Significance.

NM_004960.4(FUS):c.1111C>T (p.Arg371Cys)

Gene: FUS (FUS RNA binding protein; plus strand). Cytogenetic location: 16p11.2.
Variant type: single nucleotide variant.
Coding change: c.1111C>T on transcript NM_004960.4 (MANE Select); coding-DNA position 1111, C replaced by T.
Protein change: p.Arg371Cys; replaces arginine 371 with cysteine.
Molecular consequence: missense variant. On other transcripts: non-coding transcript variant (1).
Genome position (GRCh38, 1-based): chr16:31,190,084, C>T. VCF-style: chr16-31190084-C-T. GRCh37 (hg19) VCF-style: chr16-31201405-C-T.
Other names: c.1108C>T, p.Arg370Cys (NM_001170634.1); c.1099C>T, p.Arg367Cys (NM_001170937.1); short protein forms R371C, R370C, R367C.
Identifiers: ClinVar variation 566220 (VCV000566220.7), dbSNP rs773141319, ClinGen allele CA8023939.